The following is an entry in ClinVar:

NM_002972.4(SBF1):c.3976G>A (p.Gly1326Ser)

Gene: SBF1 (SET binding factor 1; minus strand). Cytogenetic location: 22q13.33.
Variant type: single nucleotide variant.
Coding change: c.3976G>A on transcript NM_002972.4 (MANE Select); coding-DNA position 3976, G replaced by A.
Protein change: p.Gly1326Ser; replaces glycine 1326 with serine.
Molecular consequence: missense variant.
Genome position (GRCh38, 1-based): chr22:50,456,602, C>T on the plus strand (G>A on the coding strand, the complement: SBF1 is on the minus strand). VCF-style: chr22-50456602-C-T. GRCh37 (hg19) VCF-style: chr22-50895031-C-T.
Other names: c.3901G>A, p.Gly1301Ser (NM_001365819.1); short protein forms G1301S, G1326S.
Identifiers: ClinVar variation 1193845 (VCV001193845.7), dbSNP rs779507723, ClinGen allele CA10316454.
Genomic context (GRCh38, chr22:50,456,602, plus strand): 5'-GCAGGAAGCCCGGGTCGGGAGGGCCCCCGTTGGCCTGGGGTGGGGCCAGCGCGTCTCTGC[C>T]AGCTAGCCGGGAGCCCACATCGGTGCCAAGGCCACTGCTGCGTCCACTGGTCCGGACACT-3'
Protein context (NP_002963.2, residues 1316-1336): LGTDVGSRLA[Gly1326Ser]RDALAPPQAN

ClinVar aggregate classification (germline): Uncertain significance. Review status: criteria provided, multiple submitters, no conflicts (2 of 4 stars). 3 submissions from 3 submitters: Uncertain significance (3). Last evaluated 2026-09-25.

Allele frequency attached by ClinVar (database versions not stated): gnomAD exomes 0.00001 and 0.00003; TOPMed 0.00014; gnomAD 0.00019 and 0.00017; ExAC 0.00007.
gnomAD v4.1: 40 of 1,531,878 alleles (0.0026%); highest among the groups gnomAD compares: African/African-American, 0.054%; no homozygotes.

Submissions (3):

GeneDx
Classification: Uncertain significance. Last evaluated: 2026-09-25. Review status: criteria provided, single submitter. Criteria: GeneDx Variant Classification Process June 2021. Collection method: clinical testing. Allele origin: germline.
Comment: In silico analysis supports that this missense variant has a deleterious effect on protein structure/function; Has not been previously published as pathogenic or benign to our knowledge

Ambry Genetics
Classification: Uncertain significance. Last evaluated: 2024-04-12. Review status: criteria provided, single submitter. Criteria: Ambry Variant Classification Scheme 2023. Collection method: clinical testing. Allele origin: germline.

Labcorp Genetics (formerly Invitae), Labcorp
Classification: Uncertain significance. Last evaluated: 2022-07-10. Review status: criteria provided, single submitter. Criteria: Invitae Variant Classification Sherloc (09022015). Collection method: clinical testing. Allele origin: germline.
Comment: This sequence change replaces glycine, which is neutral and non-polar, with serine, which is neutral and polar, at codon 1326 of the SBF1 protein (p.Gly1326Ser). This variant is present in population databases (rs779507723, gnomAD 0.04%). This variant has not been reported in the literature in individuals affected with SBF1-related conditions. ClinVar contains an entry for this variant (Variation ID: 1193845). Algorithms developed to predict the effect of missense changes on protein structure and function output the following: SIFT: "Tolerated"; PolyPhen-2: "Benign"; Align-GVGD: "Class C0". The serine amino acid residue is found in multiple mammalian species, which suggests that this missense change does not adversely affect protein function. In summary, the available evidence is currently insufficient to determine the role of this variant in disease. Therefore, it has been classified as a Variant of Uncertain Significance.